The following is an entry in ClinVar:

ClinVar aggregate classification (germline): Conflicting classifications of pathogenicity. Review status: criteria provided, conflicting classifications (1 of 4 stars). 2 submissions from 2 submitters: Uncertain significance (1); Likely benign (1). Last evaluated 2025-12-01.

Conditions:
Inborn genetic diseases. Identifiers: MedGen C0950123, MeSH D030342.

Submissions (2):

CeGaT Center for Human Genetics Tuebingen
Classification: Likely benign. Last evaluated: 2025-12-01. Review status: criteria provided, single submitter. Criteria: CeGaT Center For Human Genetics Tuebingen Variant Classification Criteria Version 2. Collection method: clinical testing. Allele origin: germline. Affected: yes. Observed: 2 variant alleles.
Comment: SOX4: BS2

Ambry Genetics
Classification: Uncertain significance for Inborn genetic diseases. Last evaluated: 2025-09-25. Review status: criteria provided, single submitter. Criteria: Ambry Variant Classification Scheme 2023. Collection method: clinical testing. Allele origin: germline.

NM_003107.3(SOX4):c.532G>T (p.Gly178Trp)

Gene: SOX4 (SRY-box transcription factor 4; plus strand). Cytogenetic location: 6p22.3.
Variant type: single nucleotide variant.
Coding change: c.532G>T on transcript NM_003107.3 (MANE Select); coding-DNA position 532, G replaced by T.
Protein change: p.Gly178Trp; replaces glycine 178 with tryptophan.
Molecular consequence: missense variant.
Genome position (GRCh38, 1-based): chr6:21,595,066, G>T. VCF-style: chr6-21595066-G-T. GRCh37 (hg19) VCF-style: chr6-21595297-G-T.
Other names: c.532G>T (NM_003107.2); short protein forms G178W.
Identifiers: ClinVar variation 4534133 (VCV004534133.6).